The following is an entry in ClinVar:

NM_001267550.2(TTN):c.38465T>C (p.Val12822Ala)

Gene: TTN (titin; minus strand). Cytogenetic location: 2q31.2.
Variant type: single nucleotide variant.
Coding change: c.38465T>C on transcript NM_001267550.2 (MANE Select); coding-DNA position 38465, T replaced by C.
Protein change: p.Val12822Ala; replaces valine 12822 with alanine.
Molecular consequence: missense variant. On other transcripts: intron variant (5).
Genome position (GRCh38, 1-based): chr2:178,653,897, A>G on the plus strand (T>C on the coding strand, the complement: TTN is on the minus strand). VCF-style: chr2-178653897-A-G. GRCh37 (hg19) VCF-style: chr2-179518624-A-G.
Other names: c.13283-11580T>C (NM_003319.4); c.13859-11580T>C (NM_133437.4); c.13658-11580T>C (NM_133432.3); c.31742-1356T>C (NM_133378.4); c.34523-1356T>C (NM_001256850.1); short protein forms V12822A.
Identifiers: ClinVar variation 3772601 (VCV003772601.13).
Genomic context (GRCh38, chr2:178,653,897, plus strand): 5'-GGTTTTTTGGGTGGAGCCACGGGAATTTCTTTTTCTGCGGCTTCTTGAGGAACTTCTGGC[A>G]CTTGAAAGATATTAGTAGTTTTATACTTAGGTTAATGAAGAGGAATGGACTAAAATTGTT-3'
Protein context (NP_001254479.2, residues 12812-12832): IKKPEAPAVT[Val12822Ala]PEVPQEAAEK

ClinVar aggregate classification (germline): Uncertain significance (1 of 4 stars; one submission).

Submission:

CeGaT Center for Human Genetics Tuebingen
Classification: Uncertain significance. Last evaluated: 2025-02-01. Review status: criteria provided, single submitter. Criteria: CeGaT Center For Human Genetics Tuebingen Variant Classification Criteria Version 2. Collection method: clinical testing. Allele origin: germline. Affected: yes. Observed: 1 variant allele.
Comment: TTN: PM2